The following is an entry in ClinVar:

ClinVar aggregate classification (germline): Likely pathogenic. Review status: criteria provided, multiple submitters, no conflicts (2 of 4 stars). 3 submissions from 3 submitters: Likely pathogenic (2). 1 of the submissions does not count toward it. Last evaluated 2021-12-21.

Conditions:
Inborn genetic diseases. Identifiers: MedGen C0950123, MeSH D030342.
Developmental and epileptic encephalopathy, 62. Also called: Early infantile epileptic encephalopathy 62. Identifiers: MedGen C4693699, MONDO:0033371, OMIM 617938.

Submissions (4):

Institute of Human Genetics, University of Leipzig Medical Center
Classification: Likely pathogenic for Developmental and epileptic encephalopathy, 62. Last evaluated: 2021-12-21. Review status: criteria provided, single submitter. Criteria: ACMG Guidelines, 2015. Collection method: research. Allele origin: de novo. Affected: yes.

Ambry Genetics
Classification: Likely pathogenic for Inborn genetic diseases. Last evaluated: 2016-06-06. Review status: criteria provided, single submitter. Criteria: Ambry exome assertion method (8-5-2015). Collection method: clinical testing. Allele origin: germline. Affected: yes. Observed: 1 variant allele.

OMIM
Classification: Pathogenic for DEVELOPMENTAL AND EPILEPTIC ENCEPHALOPATHY 62. Last evaluated: 2020-11-17. Review status: no assertion criteria provided. Collection method: literature only. Allele origin: germline. Not counted in ClinVar's aggregate classification.

Channelopathy-Associated Epilepsy Research Center
No classification provided (evidence only). Condition: Developmental and epileptic encephalopathy. Review status: no classification provided. Collection method: literature only. Allele origin: not applicable. Functional consequence: Normal peak current, Normal slope of activation, Normal slope of fast inactivation, Normal voltage dependence of activation, Moderate depolarizing shift of voltage dependence of fast inactivation, Severe increase in persistent current, Moderate slowing of fast inactivation, Overall gain-of-function. Not counted in ClinVar's aggregate classification.
ClinVar note: "not provided" was previously submitted as the classification for the variant. However, the classification appeared to be based only on an observation of functional data so it was converted to no classification on 2025-07-30.

Literature cited by the submitters: PubMed 32515017 (cited by Institute of Human Genetics, University of Leipzig Medical Center and Channelopathy-Associated Epilepsy Research Center); PubMed 29466837 (cited by OMIM).

NM_006922.4(SCN3A):c.5306T>C (p.Val1769Ala)

Gene: SCN3A (sodium voltage-gated channel alpha subunit 3; minus strand). Cytogenetic location: 2q24.3.
Variant type: single nucleotide variant.
Coding change: c.5306T>C on transcript NM_006922.4 (MANE Select); coding-DNA position 5306, T replaced by C.
Protein change: p.Val1769Ala; replaces valine 1769 with alanine.
Molecular consequence: missense variant.
Genome position (GRCh38, 1-based): chr2:165,090,847, A>G on the plus strand (T>C on the coding strand, the complement: SCN3A is on the minus strand). VCF-style: chr2-165090847-A-G. GRCh37 (hg19) VCF-style: chr2-165947357-A-G.
Other names: c.5159T>C, p.Val1720Ala (NM_001081676.2, NM_001081677.2); short protein forms V1769A, V1720A.
Identifiers: ClinVar variation 521063 (VCV000521063.10), dbSNP rs1553517274, ClinGen allele CA349016016.